The following is an entry in ClinVar:

ClinVar aggregate classification (germline): Uncertain significance. Review status: criteria provided, multiple submitters, no conflicts (2 of 4 stars). 2 submissions from 2 submitters: Uncertain significance (2). Last evaluated 2023-01-26.

Conditions:
Aicardi-Goutieres syndrome 5. Identifiers: Orphanet 51, MedGen C2749659, MONDO:0013059, OMIM 612952.
Chilblain lupus 2 (CHBL2). Identifiers: MedGen C3280721, MONDO:0013739, OMIM 614415.

Allele frequency attached by ClinVar (database versions not stated): gnomAD exomes 0.00001; ExAC 0.00006.
gnomAD v4.1: 11 of 1,613,332 alleles (0.00068%); highest among the groups gnomAD compares: South Asian, 0.011%; no homozygotes.

Submissions (2):

Department of Pathology and Laboratory Medicine, Sinai Health System
Classification: Uncertain significance for Aicardi-Goutieres syndrome 5; Chilblain lupus 2. Last evaluated: 2023-01-26. Review status: criteria provided, single submitter. Criteria: ACMG Guidelines, 2015. Collection method: research. Allele origin: germline.

Labcorp Genetics (formerly Invitae), Labcorp
Classification: Uncertain significance for Aicardi-Goutieres syndrome 5. Last evaluated: 2022-05-29. Review status: criteria provided, single submitter. Criteria: Invitae Variant Classification Sherloc (09022015). Collection method: clinical testing. Allele origin: germline.
Comment: This sequence change replaces aspartic acid, which is acidic and polar, with glycine, which is neutral and non-polar, at codon 82 of the SAMHD1 protein (p.Asp82Gly). This variant is present in population databases (rs766604213, gnomAD 0.01%). This variant has not been reported in the literature in individuals affected with SAMHD1-related conditions. Algorithms developed to predict the effect of missense changes on protein structure and function are either unavailable or do not agree on the potential impact of this missense change (SIFT: "Tolerated"; PolyPhen-2: "Possibly Damaging"; Align-GVGD: "Class C0"). Algorithms developed to predict the effect of sequence changes on RNA splicing suggest that this variant may create or strengthen a splice site. In summary, the available evidence is currently insufficient to determine the role of this variant in disease. Therefore, it has been classified as a Variant of Uncertain Significance.

NM_015474.4(SAMHD1):c.245A>G (p.Asp82Gly)

Gene: SAMHD1 (SAM and HD domain containing deoxynucleoside triphosphate triphosphohydrolase 1; minus strand). Cytogenetic location: 20q11.23.
Variant type: single nucleotide variant.
Coding change: c.245A>G on transcript NM_015474.4 (MANE Select); coding-DNA position 245, A replaced by G.
Protein change: p.Asp82Gly; replaces aspartic acid 82 with glycine.
Molecular consequence: missense variant.
Genome position (GRCh38, 1-based): chr20:36,946,768, T>C on the plus strand (A>G on the coding strand, the complement: SAMHD1 is on the minus strand). VCF-style: chr20-36946768-T-C. GRCh37 (hg19) VCF-style: chr20-35575171-T-C.
Other names: c.245A>G, p.Asp82Gly (NM_001363729.2, NM_001363733.2); short protein forms D82G.
Identifiers: ClinVar variation 2415147 (VCV002415147.4), dbSNP rs766604213, ClinGen allele CA9844789.